The following is an entry in ClinVar:

ClinVar aggregate classification (germline): Pathogenic/Likely pathogenic. Review status: criteria provided, multiple submitters, no conflicts (2 of 4 stars). 2 submissions from 2 submitters: Pathogenic (1); Likely pathogenic (1). Last evaluated 2024-06-03.

Conditions:
Hermansky-Pudlak syndrome 5 (HPS5). Identifiers: Orphanet 231512, Orphanet 79430, MedGen C3888004, MONDO:0013557, OMIM 614074.

Submissions (2):

Fulgent Genetics
Classification: Likely pathogenic for Hermansky-Pudlak syndrome 5. Last evaluated: 2024-06-03. Review status: criteria provided, single submitter. Criteria: ACMG Guidelines, 2015. Collection method: clinical testing. Allele origin: germline.

Labcorp Genetics (formerly Invitae), Labcorp
Classification: Pathogenic. Last evaluated: 2023-06-02. Review status: criteria provided, single submitter. Criteria: Invitae Variant Classification Sherloc (09022015). Collection method: clinical testing. Allele origin: germline.
Comment: This variant has not been reported in the literature in individuals affected with HPS5-related conditions. For these reasons, this variant has been classified as Pathogenic. This variant is present in population databases (no rsID available, gnomAD 0.003%). This sequence change creates a premature translational stop signal (p.Glu418Lysfs*3) in the HPS5 gene. It is expected to result in an absent or disrupted protein product. Loss-of-function variants in HPS5 are known to be pathogenic (PMID: 12548288, 15296495, 21833017, 26785811).

Literature cited by the submitters: PubMed 12548288 (cited by Labcorp Genetics (formerly Invitae), Labcorp); PubMed 15296495 (cited by Labcorp Genetics (formerly Invitae), Labcorp); PubMed 21833017 (cited by Labcorp Genetics (formerly Invitae), Labcorp); PubMed 26785811 (cited by Labcorp Genetics (formerly Invitae), Labcorp).

NM_181507.2(HPS5):c.1252del (p.Glu418fs)

Gene: HPS5 (HPS5 biogenesis of lysosomal organelles complex 2 subunit 2; minus strand). Cytogenetic location: 11p15.1.
Variant type: Deletion.
Coding change: c.1252del on transcript NM_181507.2 (MANE Select); coding-DNA position 1252, one base deleted (G; older notation c.1252delG).
Protein change: p.Glu418fs; shifts the reading frame from glutamic acid 418.
Molecular consequence: frameshift variant.
Genome position (GRCh38, 1-based): chr11:18,297,630, C deleted on the plus strand (G on the coding strand, the reverse complement: HPS5 is on the minus strand); the first of 2 consecutive C bases (chr11:18,297,630-18,297,631); deleting either gives the same sequence. VCF-style (leftmost placement, unchanged base first): chr11-18297629-TC-T. GRCh37 (hg19) VCF-style: chr11-18319176-TC-T.
Other names: c.910del, p.Glu304fs (NM_007216.4); c.909delG, p.Glu304Lysfs (NM_181508.2); short protein forms E418fs, E304fs.
Identifiers: ClinVar variation 2757438 (VCV002757438.4), dbSNP rs1262983210, ClinGen allele CA597452755.
Genomic context (GRCh38, chr11:18,297,629, plus strand): 5'-ATGGAGCTTCTTCTACTGCTACAAGCTGAATCCAAAGGTTCAAATTTTAAGATCAATTCT[TC>T]CAGTTGAGAAATTAGATCATTGTAGGTGCCATGGTCCAGCTGAGATTTCAAATGCTCCAA-3'